The following is an entry in ClinVar:

ClinVar aggregate classification (germline): Uncertain significance (1 of 4 stars; one submission).

gnomAD v4.1: 5 of 1,614,042 alleles (0.00031%); highest among the groups gnomAD compares: Admixed American, 0.0067%; no homozygotes.

Submission:

Labcorp Genetics (formerly Invitae), Labcorp
Classification: Uncertain significance. Last evaluated: 2024-03-13. Review status: criteria provided, single submitter. Criteria: Invitae Variant Classification Sherloc (09022015). Collection method: clinical testing. Allele origin: germline.
Comment: This sequence change replaces asparagine, which is neutral and polar, with lysine, which is basic and polar, at codon 2599 of the SRCAP protein (p.Asn2599Lys). The frequency data for this variant in the population databases is considered unreliable, as metrics indicate poor data quality at this position in the gnomAD database. This variant has not been reported in the literature in individuals affected with SRCAP-related conditions. Advanced modeling of protein sequence and biophysical properties (such as structural, functional, and spatial information, amino acid conservation, physicochemical variation, residue mobility, and thermodynamic stability) performed at Invitae indicates that this missense variant is not expected to disrupt SRCAP protein function with a negative predictive value of 80%. In summary, the available evidence is currently insufficient to determine the role of this variant in disease. Therefore, it has been classified as a Variant of Uncertain Significance.

NM_006662.3(SRCAP):c.7797C>A (p.Asn2599Lys)

Gene: SRCAP (Snf2 related CREBBP activator protein; plus strand). Cytogenetic location: 16p11.2.
Variant type: single nucleotide variant.
Coding change: c.7797C>A on transcript NM_006662.3 (MANE Select); coding-DNA position 7797, C replaced by A.
Protein change: p.Asn2599Lys; replaces asparagine 2599 with lysine.
Molecular consequence: missense variant.
Genome position (GRCh38, 1-based): chr16:30,737,837, C>A. VCF-style: chr16-30737837-C-A. GRCh37 (hg19) VCF-style: chr16-30749158-C-A.
Other names: short protein forms N2599K.
Identifiers: ClinVar variation 3713806 (VCV003713806.2).
Genomic context (GRCh38, chr16:30,737,837, plus strand): 5'-TGTGCCCCCTAAAGATCTGTTGCCAGTTGCTGTGGAGATCCTGCCTGTGTCAGAGAAGAA[C>A]CTTTCTCTCACCCCTTCTGCACCCAGCCTGACCTTGGAGGCTGGCAGCATCCCCAATGGT-3'
Protein context (NP_006653.2, residues 2589-2609): AVEILPVSEK[Asn2599Lys]LSLTPSAPSL